The following is an entry in ClinVar:

NM_001283009.2(RTEL1):c.1904A>G (p.Asp635Gly)

Genes: RTEL1 (regulator of telomere elongation helicase 1; plus strand), RTEL1-TNFRSF6B (RTEL1-TNFRSF6B readthrough (NMD candidate); plus strand). Cytogenetic location: 20q13.33.
Variant type: single nucleotide variant.
Coding change: c.1904A>G on transcript NM_001283009.2 (MANE Select); coding-DNA position 1904, A replaced by G.
Protein change: p.Asp635Gly; replaces aspartic acid 635 with glycine.
Molecular consequence: missense variant. On other transcripts: non-coding transcript variant (1).
Genome position (GRCh38, 1-based): chr20:63,689,527, A>G. VCF-style: chr20-63689527-A-G. GRCh37 (hg19) VCF-style: chr20-62320880-A-G.
Other names: c.1235A>G, p.Asp412Gly (NM_001283010.1); c.1904A>G, p.Asp635Gly (NM_016434.4); c.1976A>G, p.Asp659Gly (NM_032957.5); short protein forms D412G, D635G, D659G.
Identifiers: ClinVar variation 5028475 (VCV005028475.1).
Genomic context (GRCh38, chr20:63,689,527, plus strand): 5'-CACGGCCCCAGGCAGCTCCCTGGTGTGTCCCCTAGGCCAGCGAGGGGCTGGACTTCTCAG[A>G]CACGAATGGCCGTGGTGTGATTGTCACGGGCCTCCCGTACCCCCCACGCATGGACCCCCG-3'
Protein context (NP_001269938.1, residues 625-645): GKASEGLDFS[Asp635Gly]TNGRGVIVTG

ClinVar aggregate classification (germline): Uncertain significance (1 of 4 stars; one submission).

Conditions:
Inborn genetic diseases. Identifiers: MedGen C0950123, MeSH D030342.

Submission:

Ambry Genetics
Classification: Uncertain significance for Inborn genetic diseases. Last evaluated: 2026-07-05. Review status: criteria provided, single submitter. Criteria: Ambry Variant Classification Scheme 2023. Collection method: clinical testing. Allele origin: germline.
Comment: The p.D635G variant (also known as c.1904A>G), located in coding exon 22 of the RTEL1 gene, results from an A to G substitution at nucleotide position 1904. The aspartic acid at codon 635 is replaced by glycine, an amino acid with similar properties. This amino acid position is conserved. In addition, this alteration is predicted to be deleterious by in silico analysis. Based on the available evidence, the clinical significance of this variant remains unclear.